The following is an entry in ClinVar:

ClinVar aggregate classification (germline): Benign/Likely benign. Review status: criteria provided, multiple submitters, no conflicts (2 of 4 stars). 10 submissions from 10 submitters: Benign (6); Likely benign (4). Last evaluated 2026-01-17.

Conditions:
Inborn genetic diseases. Identifiers: MedGen C0950123, MeSH D030342.
CHARGE syndrome (CHARGE). Also called: Hittner Hirsch Kreh syndrome; Coloboma, heart anomaly, choanal atresia, retardation, genital and ear anomalies; CHARGE association; Hall-Hittner syndrome; CHARGE ASSOCIATION--COLOBOMA, HEART ANOMALY, CHOANAL ATRESIA, RETARDATION, GENITAL AND EAR ANOMALIES. Identifiers: Orphanet 138, MedGen C0265354, MONDO:0008965.
Hypogonadotropic hypogonadism 5 with or without anosmia (KAL5). Also called: CHD7-Related GnRH Deficiency (Kallmann Syndrome 5); HYPOGONADOTROPIC HYPOGONADISM 5 WITH ANOSMIA; HYPOGONADOTROPHIC HYPOGONADISM 5 WITHOUT ANOSMIA. Identifiers: Orphanet 478, MedGen C3552553, MONDO:0012880, OMIM 612370. Disease mechanism: loss of function.

Allele frequency attached by ClinVar (database versions not stated): 1000 Genomes Project 30x 0.00109; 1000 Genomes Project 0.00120; gnomAD 0.00162 and 0.00177; TOPMed 0.00183; ESP Exome Variant Server 0.00189.
gnomAD v4.1: 472 of 1,612,676 alleles (0.029%); highest among the groups gnomAD compares: African/African-American, 0.57%; 1 homozygote.

Submissions (10):

Labcorp Genetics (formerly Invitae), Labcorp
Classification: Benign for CHARGE syndrome. Last evaluated: 2026-01-17. Review status: criteria provided, single submitter. Criteria: Invitae Variant Classification Sherloc (09022015). Collection method: clinical testing. Allele origin: germline.

Blueprint Genetics
Classification: Likely benign. Last evaluated: 2024-11-11. Review status: criteria provided, single submitter. Criteria: ACMG Guidelines, 2015. Collection method: clinical testing. Allele origin: germline.

CeGaT Center for Human Genetics Tuebingen
Classification: Likely benign. Last evaluated: 2023-09-01. Review status: criteria provided, single submitter. Criteria: CeGaT Center For Human Genetics Tuebingen Variant Classification Criteria Version 2. Collection method: clinical testing. Allele origin: germline. Affected: yes. Observed: 1 variant allele.
Comment: CHD7: BP4, BP7, BS1

Fulgent Genetics
Classification: Likely benign for CHD7-related CHARGE syndrome; Hypogonadotropic hypogonadism 5 with or without anosmia. Last evaluated: 2021-11-04. Review status: criteria provided, single submitter. Criteria: ACMG Guidelines, 2015. Collection method: clinical testing. Allele origin: unknown.

GeneDx
Classification: Benign. Last evaluated: 2020-06-21. Review status: criteria provided, single submitter. Criteria: GeneDx Variant Classification Process June 2021. Collection method: clinical testing. Allele origin: germline. Affected: yes.
Comment: This variant is associated with the following publications: (PMID: 22461308)

Laboratory for Molecular Medicine, Mass General Brigham Personalized Medicine
Classification: Benign. Last evaluated: 2017-08-23. Review status: criteria provided, single submitter. Criteria: LMM Criteria. Collection method: clinical testing. Allele origin: germline. Observed: 1 variant allele.
Comment: p.Pro393Pro in exon 2 of CHD7: This variant is not expected to have clinical sig nificance because it does not alter an amino acid residue, is not located within the splice consensus sequence, and has been identified in 0.48% (47/9800) of Af rican chromosomes by the Exome Aggregation Consortium (ExAC; dbSNP rs111238892).

Ambry Genetics
Classification: Likely benign for Inborn genetic diseases. Last evaluated: 2016-10-03. Review status: criteria provided, single submitter. Criteria: Ambry Variant Classification Scheme 2023. Collection method: clinical testing. Allele origin: germline.

Women's Health and Genetics/Laboratory Corporation of America, LabCorp
Classification: Benign. Last evaluated: 2016-06-27. Review status: criteria provided, single submitter. Criteria: LabCorp Variant Classification Summary - May 2015. Collection method: clinical testing. Allele origin: germline.
Comment: Variant summary: The CHD7 c.1179A>G (p.Pro393Pro) variant involves the alteration of a non-conserved nucleotide, resulting in a synonymous change. One in silico tool predicts a damaging outcome for this variant. 4/5 splice prediction tools predict no significant impact on normal splicing. ESE finder predicts that this variant may affect ESE sites. However, these predictions have yet to be confirmed by functional studies. This variant was found in 50/120332 control chromosomes, predominantly observed in the African subpopulation at a frequency of 0.0047959 (47/9800). This frequency is about 110 times the estimated maximal expected allele frequency of a pathogenic CHD7 variant (0.0000438), suggesting this is likely a benign polymorphism found primarily in the populations of African origin. This variant has been reported as a benign variant in one CHARGE syndrome patient (Janssen_HM_2012). Taken together, this variant is classified as benign.

Eurofins Ntd Llc (ga)
Classification: Benign. Last evaluated: 2015-07-08. Review status: criteria provided, single submitter. Criteria: EGL Classification Definitions 2015. Collection method: clinical testing. Allele origin: germline. Observed: 1 variant allele, 1 heterozygote.

PreventionGenetics, part of Exact Sciences
Classification: Benign. Review status: criteria provided, single submitter. Criteria: ACMG Guidelines, 2015. Collection method: clinical testing. Allele origin: germline.

Literature cited by the submitters: PubMed 22461308 (cited by Women's Health and Genetics/Laboratory Corporation of America, LabCorp).

NM_017780.4(CHD7):c.1179A>G (p.Pro393=)

Gene: CHD7 (chromodomain helicase DNA binding protein 7; plus strand). Cytogenetic location: 8q12.2.
Variant type: single nucleotide variant.
Coding change: c.1179A>G on transcript NM_017780.4 (MANE Select); coding-DNA position 1179, A replaced by G.
Protein change: p.Pro393=; no amino-acid change (proline 393 retained).
Molecular consequence: synonymous variant.
Genome position (GRCh38, 1-based): chr8:60,742,611, A>G. VCF-style: chr8-60742611-A-G. GRCh37 (hg19) VCF-style: chr8-61655170-A-G.
Other names: c.1179A>G, p.Pro393= (NM_001316690.1).
Identifiers: ClinVar variation 260890 (VCV000260890.87), dbSNP rs111238892, ClinGen allele CA4759442.